The following is an entry in ClinVar:

ClinVar aggregate classification (germline): Benign. Review status: criteria provided, multiple submitters, no conflicts (2 of 4 stars). 2 submissions from 2 submitters: Benign (2). Last evaluated 2018-06-19.

Allele frequency attached by ClinVar (database versions not stated): 1000 Genomes Project 0.14557; ESP Exome Variant Server 0.14761; gnomAD 0.15308 and 0.15335; TOPMed 0.15567.
gnomAD v4.1: 295,586 of 1,603,728 alleles (18%); highest among the groups gnomAD compares: East Asian, 20%; 28,428 homozygotes.

Submissions (2):

GeneDx
Classification: Benign. Last evaluated: 2018-06-19. Review status: criteria provided, single submitter. Criteria: GeneDx Variant Classification (06012015). Collection method: clinical testing. Allele origin: germline. Affected: yes.
Comment: This variant is considered likely benign or benign based on one or more of the following criteria: it is a conservative change, it occurs at a poorly conserved position in the protein, it is predicted to be benign by multiple in silico algorithms, and/or has population frequency not consistent with disease.

Breakthrough Genomics
Classification: Benign. Review status: criteria provided, single submitter. Criteria: ACMG Guidelines, 2015. Collection method: not provided. Allele origin: germline. Inheritance: Autosomal recessive inheritance. Affected: yes.

NM_139343.3(BIN1):c.698+57G>A

Gene: BIN1 (bridging integrator 1; minus strand). Cytogenetic location: 2q14.3.
Variant type: single nucleotide variant.
Coding change: c.698+57G>A on transcript NM_139343.3 (MANE Select); 57 bases into the intron after coding-DNA position 698, G replaced by A.
Molecular consequence: intron variant.
Genome position (GRCh38, 1-based): chr2:127,063,876, C>T on the plus strand (G>A on the coding strand, the complement: BIN1 is on the minus strand). VCF-style: chr2-127063876-C-T. GRCh37 (hg19) VCF-style: chr2-127821452-C-T.
Other names: c.617+57G>A (NM_001320642.1); c.533+57G>A (NM_001320634.1); c.605+57G>A (NM_139351.3, NM_139350.3, NM_139349.3 and 6 more transcripts); c.698+57G>A (NM_001320633.2, NM_139345.3, NM_139344.3 and 1 more transcripts).
Identifiers: ClinVar variation 680044 (VCV000680044.2), dbSNP rs2071267, ClinGen allele CA11082052.